The following is an entry in ClinVar:

ClinVar aggregate classification (germline): Uncertain significance (1 of 4 stars; one submission).

Conditions:
Accelerated tumor formation, susceptibility to (ACTFS). Identifiers: MedGen C3280690, OMIM 614401, MONDO:0013733.

Allele frequency attached by ClinVar (database versions not stated): gnomAD exomes below 0.00001.

Submission:

Labcorp Genetics (formerly Invitae), Labcorp
Classification: Uncertain significance for Accelerated tumor formation, susceptibility to. Last evaluated: 2022-05-07. Review status: criteria provided, single submitter. Criteria: Invitae Variant Classification Sherloc (09022015). Collection method: clinical testing. Allele origin: germline.
Comment: This variant is not present in population databases (gnomAD no frequency). In summary, the available evidence is currently insufficient to determine the role of this variant in disease. Therefore, it has been classified as a Variant of Uncertain Significance. Algorithms developed to predict the effect of missense changes on protein structure and function are either unavailable or do not agree on the potential impact of this missense change (SIFT: "Tolerated"; PolyPhen-2: "Possibly Damaging"; Align-GVGD: "Class C0"). This variant has not been reported in the literature in individuals affected with MDM2-related conditions. This sequence change replaces glutamine, which is neutral and polar, with lysine, which is basic and polar, at codon 30 of the MDM2 protein (p.Gln30Lys).

NM_002392.6(MDM2):c.88C>A (p.Gln30Lys)

Genes: MDM2 (MDM2 proto-oncogene; plus strand), LOC126861563 (CDK7 strongly-dependent group 2 enhancer GRCh37_chr12:69202246-69203445; plus strand). Cytogenetic location: 12q15.
Variant type: single nucleotide variant.
Coding change: c.88C>A on transcript NM_002392.6 (MANE Select); coding-DNA position 88, C replaced by A.
Protein change: p.Gln30Lys; replaces glutamine 30 with lysine.
Molecular consequence: missense variant.
Genome position (GRCh38, 1-based): chr12:68,809,281, C>A. VCF-style: chr12-68809281-C-A. GRCh37 (hg19) VCF-style: chr12-69203061-C-A.
Other names: c.70C>A, p.Gln24Lys (NM_001145337.3, NM_001145340.3, NM_001278462.2 and 1 more transcripts); c.88C>A, p.Gln30Lys (NM_001145339.2); short protein forms Q30K, Q24K.
Identifiers: ClinVar variation 2134944 (VCV002134944.4), dbSNP rs2499096284, ClinGen allele CA385702991.